The following is an entry in ClinVar:

ClinVar aggregate classification (germline): Likely benign. Review status: criteria provided, single submitter (1 of 4 stars). 2 submissions from 2 submitters: Likely benign (1). 1 of the submissions does not count toward it. Last evaluated 2018-09-19.

Conditions:
KIF26B-related disorder. Also called: KIF26B-related condition.

Allele frequency attached by ClinVar (database versions not stated): gnomAD exomes 0.00004 and 0.00008; ExAC 0.00007; 1000 Genomes Project 0.00020; ESP Exome Variant Server 0.00023; 1000 Genomes Project 30x 0.00031; TOPMed 0.00033; gnomAD 0.00036.
gnomAD v4.1: 127 of 1,613,750 alleles (0.0079%); highest among the groups gnomAD compares: African/African-American, 0.1%; 1 homozygote.

Submissions (2):

Labcorp Genetics (formerly Invitae), Labcorp
Classification: Likely benign. Last evaluated: 2018-09-19. Review status: criteria provided, single submitter. Criteria: Invitae Variant Classification Sherloc (09022015). Collection method: clinical testing. Allele origin: germline.

PreventionGenetics, part of Exact Sciences
Classification: Likely benign for KIF26B-related condition. Last evaluated: 2019-09-10. Review status: no assertion criteria provided. Collection method: clinical testing. Allele origin: germline. Not counted in ClinVar's aggregate classification.
Comment: This variant is classified as likely benign based on ACMG/AMP sequence variant interpretation guidelines (Richards et al. 2015 PMID: 25741868, with internal and published modifications).

NM_018012.4(KIF26B):c.2535C>T (p.Ile845=)

Gene: KIF26B (kinesin family member 26B; plus strand). Cytogenetic location: 1q44.
Variant type: single nucleotide variant.
Coding change: c.2535C>T on transcript NM_018012.4 (MANE Select); coding-DNA position 2535, C replaced by T.
Protein change: p.Ile845=; no amino-acid change (isoleucine 845 retained).
Molecular consequence: synonymous variant.
Genome position (GRCh38, 1-based): chr1:245,685,518, C>T. VCF-style: chr1-245685518-C-T. GRCh37 (hg19) VCF-style: chr1-245848820-C-T.
Identifiers: ClinVar variation 764952 (VCV000764952.5), dbSNP rs374638007, ClinGen allele CA1488034.